The following is an entry in ClinVar:

NM_000492.4(CFTR):c.1390A>C (p.Lys464Gln)

Genes: CFTR (CF transmembrane conductance regulator; plus strand), CFTR-AS1 (CFTR antisense RNA 1; minus strand). Cytogenetic location: 7q31.2.
Variant type: single nucleotide variant.
Coding change: c.1390A>C on transcript NM_000492.4 (MANE Select); coding-DNA position 1390, A replaced by C.
Protein change: p.Lys464Gln; replaces lysine 464 with glutamine.
Molecular consequence: missense variant.
Genome position (GRCh38, 1-based): chr7:117,548,821, A>C. VCF-style: chr7-117548821-A-C. GRCh37 (hg19) VCF-style: chr7-117188875-A-C.
Other names: short protein forms K464Q.
Identifiers: ClinVar variation 1771535 (VCV001771535.6), dbSNP rs1799216615, ClinGen allele CA368982592.

ClinVar aggregate classification (germline): Uncertain significance. Review status: criteria provided, multiple submitters, no conflicts (2 of 4 stars). 3 submissions from 3 submitters: Uncertain significance (3). Last evaluated 2024-09-04.

Conditions:
Cystic fibrosis (CF). Also called: MUCOVISCIDOSIS. Identifiers: Orphanet 586, MedGen C0010674, MONDO:0009061, OMIM 219700. Disease mechanism: loss of function.

Allele frequency attached by ClinVar (database versions not stated): TOPMed below 0.00001.

Submissions (3):

Women's Health and Genetics/Laboratory Corporation of America, LabCorp
Classification: Uncertain significance. Last evaluated: 2024-09-04. Review status: criteria provided, single submitter. Criteria: LabCorp Variant Classification Summary - May 2015. Collection method: clinical testing. Allele origin: germline.
Comment: Variant summary: CFTR c.1390A>C (p.Lys464Gln) results in a conservative amino acid change located in the ABC transporter-like, ATP-binding domain (IPR003439) of the encoded protein sequence. Four of five in-silico tools predict a damaging effect of the variant on protein function. Consensus agreement among computation tools predict no significant impact on normal splicing. However, these predictions have yet to be confirmed by functional studies. The frequency data for this variant in gnomAD is considered unreliable, as metrics indicate poor data quality at this position. c.1390A>C has been reported in the literature in the heterozyoug state in individuals affected with Congenital Absense of the Vas Deferens and Chronic Pancreatitis and in the compund heterozygous state in at least one individual with Cystic Fibrosis (Luo_2021, Zou_2018, Cheng_2022, Goldbart_2021). These data do not allow any conclusion about variant significance. Experimental studies in xenopus oocytes show that this variant results in decreased chloride conductance (Wilkinson_1996, Smit_1993). The following publications have been ascertained in the context of this evaluation (PMID: 35119551, 34711619, 32777524, 7694298, 8741733, 30420730). ClinVar contains an entry for this variant (Variation ID: 1771535). Based on the evidence outlined above, the variant was classified as VUS-possibly pathogenic.

Labcorp Genetics (formerly Invitae), Labcorp
Classification: Uncertain significance for Cystic fibrosis. Last evaluated: 2024-03-14. Review status: criteria provided, single submitter. Criteria: Invitae Variant Classification Sherloc (09022015). Collection method: clinical testing. Allele origin: germline.
Comment: This sequence change replaces lysine, which is basic and polar, with glutamine, which is neutral and polar, at codon 464 of the CFTR protein (p.Lys464Gln). This variant is not present in population databases (gnomAD no frequency). This missense change has been observed in individual(s) with clinical features of CFTR-related conditions and/or congenital absence of vas deferens (PMID: 30420730, 32777524; Invitae). In at least one individual the data is consistent with being in trans (on the opposite chromosome) from a pathogenic variant. ClinVar contains an entry for this variant (Variation ID: 1771535). An algorithm developed to predict the effect of missense changes on protein structure and function (PolyPhen-2) suggests that this variant is likely to be disruptive. In summary, the available evidence is currently insufficient to determine the role of this variant in disease. Therefore, it has been classified as a Variant of Uncertain Significance.

Ambry Genetics
Classification: Uncertain significance for Cystic fibrosis. Last evaluated: 2019-08-07. Review status: criteria provided, single submitter. Criteria: Ambry Variant Classification Scheme 2023. Collection method: clinical testing. Allele origin: germline.
Comment: The p.K464Q variant (also known as c.1390A>C), located in coding exon 10 of the CFTR gene, results from an A to C substitution at nucleotide position 1390. The lysine at codon 464 is replaced by glutamine, an amino acid with similar properties. In Xenopus oocytes, this variant demonstrated reduced sensitivity of CFTR to activation similar to p.G551S (Smit LS et al. Proc. Natl. Acad. Sci. U.S.A., 1993 Nov;90:9963-7). This amino acid position is highly conserved in available vertebrate species. In addition, this alteration is predicted to be deleterious by in silico analysis. Based on available evidence to date, the clinical significance of this alteration remains unclear.

Literature cited by the submitters: PubMed 8741733 (cited by Women's Health and Genetics/Laboratory Corporation of America, LabCorp); PubMed 7694298 (cited by Women's Health and Genetics/Laboratory Corporation of America, LabCorp and Ambry Genetics); PubMed 30420730 (cited by Women's Health and Genetics/Laboratory Corporation of America, LabCorp and Labcorp Genetics (formerly Invitae), Labcorp); PubMed 32777524 (cited by Women's Health and Genetics/Laboratory Corporation of America, LabCorp and Labcorp Genetics (formerly Invitae), Labcorp); PubMed 35119551 (cited by Women's Health and Genetics/Laboratory Corporation of America, LabCorp); PubMed 34711619 (cited by Women's Health and Genetics/Laboratory Corporation of America, LabCorp).